The following is an entry in ClinVar:

ClinVar aggregate classification (germline): Likely benign (1 of 4 stars; one submission).

Submission:

GeneDx
Classification: Likely benign. Last evaluated: 2021-04-25. Review status: criteria provided, single submitter. Criteria: GeneDx Variant Classification Process June 2021. Collection method: clinical testing. Allele origin: germline. Affected: yes.
Comment: See Variant Classification Assertion Criteria.

NM_139281.3(WDR36):c.1717-21_1717-20insATA

Gene: WDR36 (WD repeat domain 36; plus strand). Cytogenetic location: 5q22.1.
Variant type: Insertion.
Coding change: c.1717-21_1717-20insATA on transcript NM_139281.3 (MANE Select); 21 bases into the intron before coding-DNA position 1717 through 20 bases into the intron before coding-DNA position 1717, ATA inserted.
Molecular consequence: intron variant.
Genome position: GRCh38 VCF-style: chr5-111113053-T-TATA. GRCh37 (hg19) VCF-style: chr5-110448752-T-TATA.
Identifiers: ClinVar variation 1707145 (VCV001707145.2), dbSNP rs1554109024, ClinGen allele CA3365808.